The following is an entry in ClinVar:

ClinVar aggregate classification (germline): Likely pathogenic (1 of 4 stars; one submission).

Conditions:
Distal myopathy with posterior leg and anterior hand involvement. Also called: WILLIAMS DISTAL MYOPATHY. Identifiers: Orphanet 63273, MedGen C3279722, MONDO:0013550, OMIM 614065.
Hypertrophic cardiomyopathy 26. Also called: Cardiomyopathy, familial hypertrophic, 26. Identifiers: Orphanet 75249, MedGen C4310749, MONDO:0014883, OMIM 617047.
Myofibrillar myopathy 5. Also called: FILAMINOPATHY, AUTOSOMAL DOMINANT; Filaminopathy (type). Identifiers: Orphanet 171445, MedGen C1836050, MONDO:0012289, OMIM 609524.

Submission:

Labcorp Genetics (formerly Invitae), Labcorp
Classification: Likely pathogenic for Distal myopathy with posterior leg and anterior hand involvement; Myofibrillar myopathy 5; Hypertrophic cardiomyopathy 26. Last evaluated: 2024-03-11. Review status: criteria provided, single submitter. Criteria: Invitae Variant Classification Sherloc (09022015). Collection method: clinical testing. Allele origin: germline.
Comment: This sequence change affects a donor splice site in intron 44 of the FLNC gene. It is expected to disrupt RNA splicing. Variants that disrupt the donor or acceptor splice site typically lead to a loss of protein function (PMID: 16199547), and loss-of-function variants in FLNC are known to be pathogenic (PMID: 27908349). This variant is not present in population databases (gnomAD no frequency). This variant has not been reported in the literature in individuals affected with FLNC-related conditions. ClinVar contains an entry for this variant (Variation ID: 1473313). Algorithms developed to predict the effect of sequence changes on RNA splicing suggest that this variant may disrupt the consensus splice site. In summary, the currently available evidence indicates that the variant is pathogenic, but additional data are needed to prove that conclusively. Therefore, this variant has been classified as Likely Pathogenic.

Literature cited by the submitters: PubMed 16199547; PubMed 27908349.

NM_001458.5(FLNC):c.7384+2T>C

Genes: FLNC-AS1 (FLNC antisense RNA 1; minus strand), FLNC (filamin C; plus strand). Cytogenetic location: 7q32.1.
Variant type: single nucleotide variant.
Coding change: c.7384+2T>C on transcript NM_001458.5 (MANE Select); the canonical splice donor site of the intron after coding-DNA position 7384, T replaced by C.
Molecular consequence: splice donor variant.
Genome position (GRCh38, 1-based): chr7:128,856,652, T>C. VCF-style: chr7-128856652-T-C. GRCh37 (hg19) VCF-style: chr7-128496706-T-C.
Other names: c.7285+2T>C (NM_001127487.2).
Identifiers: ClinVar variation 1473313 (VCV001473313.6), dbSNP rs112941619, ClinGen allele CA166194830.